The following is an entry in ClinVar:

ClinVar aggregate classification (germline): Likely benign (1 of 4 stars; one submission).

Allele frequency attached by ClinVar (database versions not stated): 1000 Genomes Project 0.00060; 1000 Genomes Project 30x 0.00109; ExAC 0.00251; gnomAD exomes 0.00280 and 0.00388; TOPMed 0.00281; gnomAD 0.00324 and 0.00329.

Submission:

CeGaT Center for Human Genetics Tuebingen
Classification: Likely benign. Last evaluated: 2022-12-01. Review status: criteria provided, single submitter. Criteria: CeGaT Center For Human Genetics Tuebingen Variant Classification Criteria Version 2. Collection method: clinical testing. Allele origin: germline. Affected: yes. Observed: 1 variant allele.
Comment: UMPS: BS2

NM_000373.4(UMPS):c.*868del

Gene: UMPS (uridine monophosphate synthetase; plus strand). Cytogenetic location: 3q21.2.
Variant type: Deletion.
Coding change: c.*868del on transcript NM_000373.4 (MANE Select); 868 bases downstream of the stop codon, one base deleted (T; older notation c.*868delT).
Molecular consequence: 3 prime UTR variant. On other transcripts: non-coding transcript variant (2).
Genome position (GRCh38, 1-based): chr3:124,744,952, T deleted. VCF-style (leftmost placement, unchanged base first): chr3-124744951-CT-C. GRCh37 (hg19) VCF-style: chr3-124463798-CT-C.
Identifiers: ClinVar variation 342944 (VCV000342944.29), dbSNP rs570945751, ClinGen allele CA2581954.